The following is an entry in ClinVar:

NM_016008.4(DYNC2LI1):c.619C>T (p.Arg207Ter)

Gene: DYNC2LI1 (dynein cytoplasmic 2 light intermediate chain 1; plus strand). Cytogenetic location: 2p21.
Variant type: single nucleotide variant.
Coding change: c.619C>T on transcript NM_016008.4 (MANE Select); coding-DNA position 619, C replaced by T.
Protein change: p.Arg207Ter; replaces arginine 207 with a stop codon.
Molecular consequence: nonsense.
Genome position (GRCh38, 1-based): chr2:43,796,760, C>T. VCF-style: chr2-43796760-C-T. GRCh37 (hg19) VCF-style: chr2-44023899-C-T.
Other names: c.622C>T, p.Arg208Ter (NM_001193464.2, NM_001348913.2); c.619C>T, p.Arg207Ter (NM_001348912.2); c.619C>T (NM_016008.3); short protein forms R208*, R207*.
Identifiers: ClinVar variation 253218 (VCV000253218.8), dbSNP rs745930390, ClinGen allele CA1635938.
Genomic context (GRCh38, chr2:43,796,760, plus strand): 5'-AATAACATATTTCTACAGGATTTTGAGTCTGAGAAGAGAAAGGTAATATGCAAGACACTT[C>T]GATTTGTTGCACATTATTATGGAGCATCATTAATGGTTTGTACATTTCTTGTCCTTTGGG-3'

ClinVar aggregate classification (germline): Pathogenic. Review status: criteria provided, multiple submitters, no conflicts (2 of 4 stars). 3 submissions from 3 submitters: Pathogenic (2). 1 of the submissions does not count toward it. Last evaluated 2026-02-25.

Conditions:
DYNC2LI1-related disorder. Also called: DYNC2LI1-related condition.
Short-rib thoracic dysplasia 15 with polydactyly (SRTD15). Identifiers: MedGen C4310724, MONDO:0014907, OMIM 617088.

Allele frequency attached by ClinVar (database versions not stated): gnomAD 0.00003; ExAC 0.00004; gnomAD exomes 0.00004; TOPMed 0.00005.
gnomAD v4.1: 84 of 1,613,484 alleles (0.0052%); highest among the groups gnomAD compares: Non-Finnish European, 0.0058%; no homozygotes.

Submissions (3):

PreventionGenetics, part of Exact Sciences
Classification: Pathogenic for DYNC2LI1-related condition. Last evaluated: 2026-02-25. Review status: criteria provided, single submitter. Criteria: ACMG Guidelines, 2015. Collection method: clinical testing. Allele origin: germline.
Comment: The DYNC2LI1 c.619C>T variant is predicted to result in premature protein termination (p.Arg207*). This variant has been reported in the compound heterozygous state with a missense variant in an individual with short-rib thoracic dysplasia and polydactyly (Kessler et al. 2015. PubMed ID: 26130459, reported as c.622C>T, p.Arg208Ter). This variant is reported in 0.039% of alleles in individuals of Ashkenazi Jewish descent in gnomAD. Nonsense variants in DYNC2LI1 are expected to be pathogenic. This variant is interpreted as pathogenic.

Labcorp Genetics (formerly Invitae), Labcorp
Classification: Pathogenic. Last evaluated: 2025-04-17. Review status: criteria provided, single submitter. Criteria: Invitae Variant Classification Sherloc (09022015). Collection method: clinical testing. Allele origin: germline.
Comment: This sequence change creates a premature translational stop signal (p.Arg207*) in the DYNC2LI1 gene. It is expected to result in an absent or disrupted protein product. Loss-of-function variants in DYNC2LI1 are known to be pathogenic (PMID: 26077881, 26130459). This variant is present in population databases (rs745930390, gnomAD 0.04%). This premature translational stop signal has been observed in individual(s) with clinical features of DYNC2LI1-related conditions (PMID: 26130459). This variant is also known as p.Arg208Ter. ClinVar contains an entry for this variant (Variation ID: 253218). Algorithms developed to predict the effect of sequence changes on RNA splicing suggest that this variant may disrupt the consensus splice site. For these reasons, this variant has been classified as Pathogenic.

OMIM
Classification: Pathogenic for SHORT-RIB THORACIC DYSPLASIA 15 WITH POLYDACTYLY. Last evaluated: 2018-04-06. Review status: no assertion criteria provided. Collection method: literature only. Allele origin: germline. Not counted in ClinVar's aggregate classification.

Literature cited by the submitters: PubMed 26077881 (cited by Labcorp Genetics (formerly Invitae), Labcorp); PubMed 26130459 (cited by Labcorp Genetics (formerly Invitae), Labcorp and OMIM).